The following is an entry in ClinVar:

NM_020631.6(PLEKHG5):c.64G>T (p.Val22Leu)

Gene: PLEKHG5 (pleckstrin homology and RhoGEF domain containing G5; minus strand). Cytogenetic location: 1p36.31.
Variant type: single nucleotide variant.
Coding change: c.64G>T on transcript NM_020631.6 (MANE Select); coding-DNA position 64, G replaced by T.
Protein change: p.Val22Leu; replaces valine 22 with leucine.
Molecular consequence: missense variant.
Genome position (GRCh38, 1-based): chr1:6,476,016, C>A on the plus strand (G>T on the coding strand, the complement: PLEKHG5 is on the minus strand). VCF-style: chr1-6476016-C-A. GRCh37 (hg19) VCF-style: chr1-6536076-C-A.
Other names: c.175G>T, p.Val59Leu (NM_001042663.3, NM_001265592.2); c.64G>T, p.Val22Leu (NM_001042664.2, NM_001042665.2, NM_001265594.3 and 1 more transcripts); c.271G>T, p.Val91Leu (NM_001265593.2); short protein forms V22L, V59L, V91L.
Identifiers: ClinVar variation 1309629 (VCV001309629.2), dbSNP rs112530241, ClinGen allele CA338141516.

ClinVar aggregate classification (germline): Uncertain significance (1 of 4 stars; one submission).

Submission:

GeneDx
Classification: Uncertain significance. Last evaluated: 2019-10-29. Review status: criteria provided, single submitter. Criteria: GeneDx Variant Classification Process June 2021. Collection method: clinical testing. Allele origin: germline. Affected: yes.
Comment: Has not been previously published as pathogenic or benign to our knowledge; Not observed in large population cohorts (Lek et al., 2016); In silico analysis, which includes protein predictors and evolutionary conservation, supports that this variant does not alter protein structure/function